The following is an entry in ClinVar:

ClinVar aggregate classification (germline): Benign (1 of 4 stars; one submission).

Allele frequency attached by ClinVar (database versions not stated): TOPMed 0.96152; gnomAD 0.96382 and 0.96632; 1000 Genomes Project 30x 0.96487; 1000 Genomes Project 0.96585.
gnomAD v4.1: 147,218 of 152,296 alleles (97%); highest among the groups gnomAD compares: East Asian, 100%; 71,331 homozygotes.

Submission:

GeneDx
Classification: Benign. Last evaluated: 2018-06-16. Review status: criteria provided, single submitter. Criteria: GeneDx Variant Classification (06012015). Collection method: clinical testing. Allele origin: germline. Affected: yes.
Comment: This variant is considered likely benign or benign based on one or more of the following criteria: it is a conservative change, it occurs at a poorly conserved position in the protein, it is predicted to be benign by multiple in silico algorithms, and/or has population frequency not consistent with disease.

NM_018249.6(CDK5RAP2):c.307-208A>G

Gene: CDK5RAP2 (CDK5 regulatory subunit associated protein 2; minus strand). Cytogenetic location: 9q33.2.
Variant type: single nucleotide variant.
Coding change: c.307-208A>G on transcript NM_018249.6 (MANE Select); 208 bases into the intron before coding-DNA position 307, A replaced by G.
Molecular consequence: intron variant.
Genome position (GRCh38, 1-based): chr9:120,545,998, T>C on the plus strand (A>G on the coding strand, the complement: CDK5RAP2 is on the minus strand). VCF-style: chr9-120545998-T-C. GRCh37 (hg19) VCF-style: chr9-123308276-T-C.
Other names: c.307-208A>G (NM_001272039.2, NM_001011649.3).
Identifiers: ClinVar variation 678303 (VCV000678303.1), dbSNP rs10739564, ClinGen allele CA199302000.